The following is an entry in ClinVar:

NM_182961.4(SYNE1):c.26060C>T (p.Thr8687Ile)

Gene: SYNE1 (spectrin repeat containing nuclear envelope protein 1; minus strand). Cytogenetic location: 6q25.2.
Variant type: single nucleotide variant.
Coding change: c.26060C>T on transcript NM_182961.4 (MANE Select); coding-DNA position 26060, C replaced by T.
Protein change: p.Thr8687Ile; replaces threonine 8687 with isoleucine.
Molecular consequence: missense variant.
Genome position (GRCh38, 1-based): chr6:152,132,156, G>A on the plus strand (C>T on the coding strand, the complement: SYNE1 is on the minus strand). VCF-style: chr6-152132156-G-A. GRCh37 (hg19) VCF-style: chr6-152453291-G-A.
Other names: p.Thr8639Ile; c.2666C>T, p.Thr889Ile (NM_001347701.2); c.2594C>T, p.Thr865Ile (NM_001347702.2); c.25916C>T, p.Thr8639Ile (NM_033071.5); short protein forms T8639I, T8687I, T865I, T889I.
Identifiers: ClinVar variation 130433 (VCV000130433.22), dbSNP rs35591210, ClinGen allele CA155443.

ClinVar aggregate classification (germline): Benign. Review status: criteria provided, multiple submitters, no conflicts (2 of 4 stars). 9 submissions from 8 submitters: Benign (6). 3 of the submissions do not count toward it. Last evaluated 2026-02-03.

Conditions:
Emery-Dreifuss muscular dystrophy 4, autosomal dominant (EDMD4). Also called: EMERY-DREIFUSS MUSCULAR DYSTROPHY 4 WITH VARIABLE FEATURES. Identifiers: Orphanet 261, MedGen C2751807, MONDO:0013071, OMIM 612998.
Autosomal recessive ataxia, Beauce type. Also called: SYNE1-Related Autosomal Recessive Cerebellar Ataxia; ATAXIA, RECESSIVE, OF BEAUCE; Spinocerebellar ataxia, autosomal recessive 8; SYNE1 Deficiency. Identifiers: Orphanet 88644, MedGen C1853116, MONDO:0012549, OMIM 610743.

Allele frequency attached by ClinVar (database versions not stated): ExAC 0.05133; 1000 Genomes Project 30x 0.02717; TOPMed 0.04780; gnomAD 0.04968 and 0.05093; gnomAD exomes 0.05097 and 0.07020; 1000 Genomes Project 0.02576; ESP Exome Variant Server 0.05444.
gnomAD v4.1: 109,772 of 1,613,876 alleles (6.8%); highest among the groups gnomAD compares: Non-Finnish European, 8.1%; 4,295 homozygotes.

Submissions (9):

Labcorp Genetics (formerly Invitae), Labcorp
Classification: Benign for Emery-Dreifuss muscular dystrophy 4, autosomal dominant; Autosomal recessive ataxia, Beauce type. Last evaluated: 2026-02-03. Review status: criteria provided, single submitter. Criteria: Invitae Variant Classification Sherloc (09022015). Collection method: clinical testing. Allele origin: germline.

Illumina Laboratory Services, Illumina
Classification: Benign for Autosomal recessive ataxia, Beauce type. Last evaluated: 2018-01-13. Review status: criteria provided, single submitter. Criteria: ICSL Variant Classification Criteria 13 December 2019. Collection method: clinical testing. Allele origin: germline.
Comment: This variant was observed in the ICSL laboratory as part of a predisposition screen in an ostensibly healthy population. It had not been previously curated by ICSL or reported in the Human Gene Mutation Database (HGMD: prior to June 1st, 2018), and was therefore a candidate for classification through an automated scoring system. Utilizing variant allele frequency, disease prevalence and penetrance estimates, and inheritance mode, an automated score was calculated to assess if this variant is too frequent to cause the disease. Based on the score and internal cut-off values, a variant classified as benign is not then subjected to further curation. The score for this variant resulted in a classification of benign for this disease.

Illumina Laboratory Services, Illumina
Classification: Benign for Emery-Dreifuss muscular dystrophy 4, autosomal dominant. Last evaluated: 2018-01-13. Review status: criteria provided, single submitter. Criteria: ICSL Variant Classification Criteria 13 December 2019. Collection method: clinical testing. Allele origin: germline.
Comment: the same text as in the submission from Illumina Laboratory Services, Illumina above.

Mayo Clinic Laboratories, Mayo Clinic
Classification: Benign. Last evaluated: 2017-08-21. Review status: criteria provided, single submitter. Criteria: ACMG Guidelines, 2015. Collection method: clinical testing. Allele origin: germline. Observed: 138 variant alleles.

GeneDx
Classification: Benign. Last evaluated: 2016-02-23. Review status: criteria provided, single submitter. Criteria: GeneDx Variant Classification (06012015). Collection method: clinical testing. Allele origin: germline. Affected: yes.
Comment: This variant is considered likely benign or benign based on one or more of the following criteria: it is a conservative change, it occurs at a poorly conserved position in the protein, it is predicted to be benign by multiple in silico algorithms, and/or has population frequency not consistent with disease.

PreventionGenetics, part of Exact Sciences
Classification: Benign. Review status: criteria provided, single submitter. Criteria: ACMG Guidelines, 2015. Collection method: clinical testing. Allele origin: germline.

Clinical Genetics DNA and cytogenetics Diagnostics Lab, Erasmus MC, Erasmus Medical Center
Classification: Benign. Review status: no assertion criteria provided. Collection method: clinical testing. Allele origin: germline. Affected: yes. Study: VKGL Data-share Consensus. Not counted in ClinVar's aggregate classification.

Clinical Genetics, Academic Medical Center
Classification: Benign. Review status: no assertion criteria provided. Collection method: clinical testing. Allele origin: germline. Affected: yes. Study: VKGL Data-share Consensus. Not counted in ClinVar's aggregate classification.

Genetic Services Laboratory, University of Chicago
Classification: Likely benign for AllHighlyPenetrant. Review status: no assertion criteria provided. Collection method: clinical testing. Allele origin: germline. Inheritance: Autosomal dominant inheritance. Not counted in ClinVar's aggregate classification.
Comment: Likely benign based on allele frequency in 1000 Genomes Project or ESP global frequency and its presence in a patient with a rare or unrelated disease phenotype. NOT Sanger confirmed.